The following is an entry in ClinVar:

NM_001376.5(DYNC1H1):c.1854T>C (p.Ser618=)

Gene: DYNC1H1 (dynein cytoplasmic 1 heavy chain 1; plus strand). Cytogenetic location: 14q32.31.
Variant type: single nucleotide variant.
Coding change: c.1854T>C on transcript NM_001376.5 (MANE Select); coding-DNA position 1854, T replaced by C.
Protein change: p.Ser618=; no amino-acid change (serine 618 retained).
Molecular consequence: synonymous variant.
Genome position (GRCh38, 1-based): chr14:101,986,079, T>C. VCF-style: chr14-101986079-T-C. GRCh37 (hg19) VCF-style: chr14-102452416-T-C.
Identifiers: ClinVar variation 3029228 (VCV003029228.2), dbSNP rs2503694655, ClinGen allele CA488183336.

ClinVar aggregate classification (germline): Likely benign (0 of 4 stars; one submission).

Conditions:
DYNC1H1-related disorder. Also called: DYNC1H1-related disorders; DYNC1H1-related condition. Identifiers: MedGen CN381529.

Submission:

PreventionGenetics, part of Exact Sciences
Classification: Likely benign for DYNC1H1-related condition. Last evaluated: 2021-07-21. Review status: no assertion criteria provided. Collection method: clinical testing. Allele origin: germline.
Comment: This variant is classified as likely benign based on ACMG/AMP sequence variant interpretation guidelines (Richards et al. 2015 PMID: 25741868, with internal and published modifications).